The following is an entry in ClinVar:

ClinVar aggregate classification (germline): Uncertain significance. Review status: criteria provided, multiple submitters, no conflicts (2 of 4 stars). 4 submissions from 4 submitters: Uncertain significance (4). Last evaluated 2022-03-25.

Conditions:
Cardiovascular phenotype. Identifiers: MedGen CN230736.
Dilated cardiomyopathy 1G (CMD1G). Identifiers: Orphanet 154, MedGen C1858763, MONDO:0011400, OMIM 604145.
Autosomal recessive limb-girdle muscular dystrophy type 2J (LGMDR10). Also called: Limb-girdle muscular dystrophy, type 2J; MUSCULAR DYSTROPHY, LIMB-GIRDLE, AUTOSOMAL RECESSIVE 10. Identifiers: Orphanet 140922, MedGen C1837342, MONDO:0012127, OMIM 608807.

Allele frequency attached by ClinVar (database versions not stated): ExAC 0.00003; gnomAD 0.00003 and 0.00004; gnomAD exomes 0.00003; TOPMed 0.00005.
gnomAD v4.1: 51 of 1,613,044 alleles (0.0032%); highest among the groups gnomAD compares: Admixed American, 0.012%; no homozygotes.

Submissions (4):

Revvity Omics, Revvity
Classification: Uncertain significance. Last evaluated: 2022-03-25. Review status: criteria provided, single submitter. Criteria: ACMG Guidelines, 2015. Collection method: clinical testing. Allele origin: germline.

Eurofins Ntd Llc (ga)
Classification: Uncertain significance. Last evaluated: 2018-01-12. Review status: criteria provided, single submitter. Criteria: EGL Classification Definitions 2015. Collection method: clinical testing. Allele origin: germline. Observed: 1 variant allele, 1 heterozygote.

Labcorp Genetics (formerly Invitae), Labcorp
Classification: Uncertain significance for Dilated cardiomyopathy 1G; Autosomal recessive limb-girdle muscular dystrophy type 2J. Last evaluated: 2017-07-20. Review status: criteria provided, single submitter. Criteria: Invitae Variant Classification Sherloc (09022015). Collection method: clinical testing. Allele origin: germline.

Ambry Genetics
Classification: Uncertain significance for Cardiovascular phenotype. Last evaluated: 2016-07-12. Review status: criteria provided, single submitter. Criteria: Ambry Variant Classification Scheme 2023. Collection method: clinical testing. Allele origin: germline.
Comment: The p.G5284S variant (also known as c.15850G>A), located in coding exon 60 of the TTN gene, results from a G to A substitution at nucleotide position 15850. This alteration is located in the I-band region of the N2-B isoform of the titin protein. The glycine at codon 5284 is replaced by serine, an amino acid with similar properties. Based on data from ExAC, the A allele has an overall frequency of less than 0.01% (2/104876). This amino acid position is highly conserved through mammals but not in all available vertebrate species. In addition, this alteration is predicted to be tolerated by in silico analysis. Since supporting evidence is limited at this time, the clinical significance of this alteration remains unclear.

NM_001267550.2(TTN):c.43045G>A (p.Gly14349Ser)

Gene: TTN (titin; minus strand). Cytogenetic location: 2q31.2.
Variant type: single nucleotide variant.
Coding change: c.43045G>A on transcript NM_001267550.2 (MANE Select); coding-DNA position 43045, G replaced by A.
Protein change: p.Gly14349Ser; replaces glycine 14349 with serine.
Molecular consequence: missense variant.
Genome position (GRCh38, 1-based): chr2:178,633,228, C>T on the plus strand (G>A on the coding strand, the complement: TTN is on the minus strand). VCF-style: chr2-178633228-C-T. GRCh37 (hg19) VCF-style: chr2-179497955-C-T.
Other names: c.38122G>A, p.Gly12708Ser (NM_001256850.1); c.15850G>A, p.Gly5284Ser (NM_003319.4); c.35341G>A, p.Gly11781Ser (NM_133378.4); c.16225G>A, p.Gly5409Ser (NM_133432.3); c.16426G>A, p.Gly5476Ser (NM_133437.4); short protein forms G14349S, G11781S, G5284S, G12708S, G5409S, G5476S.
Identifiers: ClinVar variation 404827 (VCV000404827.14), dbSNP rs781452930, ClinGen allele CA1995962.